The following is an entry in ClinVar:

NM_018026.4(PACS1):c.2173G>A (p.Val725Met)

Gene: PACS1 (phosphofurin acidic cluster sorting protein 1; plus strand). Cytogenetic location: 11q13.2.
Variant type: single nucleotide variant.
Coding change: c.2173G>A on transcript NM_018026.4 (MANE Select); coding-DNA position 2173, G replaced by A.
Protein change: p.Val725Met; replaces valine 725 with methionine.
Molecular consequence: missense variant.
Genome position (GRCh38, 1-based): chr11:66,235,369, G>A. VCF-style: chr11-66235369-G-A. GRCh37 (hg19) VCF-style: chr11-66002840-G-A.
Other names: short protein forms V725M.
Identifiers: ClinVar variation 1715664 (VCV001715664.7), dbSNP rs750746241, ClinGen allele CA6116799.

ClinVar aggregate classification (germline): Uncertain significance. Review status: criteria provided, multiple submitters, no conflicts (2 of 4 stars). 2 submissions from 2 submitters: Uncertain significance (2). Last evaluated 2022-08-08.

Conditions:
Schuurs-Hoeijmakers syndrome. Also called: PACS1-Related Neurodevelopmental Disorder. Identifiers: Orphanet 329224, MedGen C3554343, MONDO:0014006, OMIM 615009.

Allele frequency attached by ClinVar (database versions not stated): gnomAD exomes below 0.00001; ExAC 0.00001.
gnomAD v4.1: 6 of 1,614,016 alleles (0.00037%); highest among the groups gnomAD compares: Non-Finnish European, 0.00051%; no homozygotes.

Submissions (2):

Labcorp Genetics (formerly Invitae), Labcorp
Classification: Uncertain significance for Schuurs-Hoeijmakers syndrome. Last evaluated: 2022-08-08. Review status: criteria provided, single submitter. Criteria: Invitae Variant Classification Sherloc (09022015). Collection method: clinical testing. Allele origin: germline.
Comment: In summary, the available evidence is currently insufficient to determine the role of this variant in disease. Therefore, it has been classified as a Variant of Uncertain Significance. Algorithms developed to predict the effect of missense changes on protein structure and function are either unavailable or do not agree on the potential impact of this missense change (SIFT: "Deleterious"; PolyPhen-2: "Possibly Damaging"; Align-GVGD: "Class C0"). This variant has not been reported in the literature in individuals affected with PACS1-related conditions. This variant is not present in population databases (gnomAD no frequency). This sequence change replaces valine, which is neutral and non-polar, with methionine, which is neutral and non-polar, at codon 725 of the PACS1 protein (p.Val725Met).

Neuberg Centre For Genomic Medicine, NCGM
Classification: Uncertain significance for Schuurs-Hoeijmakers syndrome. Review status: criteria provided, single submitter. Criteria: ACMG Guidelines, 2015. Collection method: clinical testing. Allele origin: germline. Inheritance: Autosomal dominant inheritance. Affected: yes.
Comment: The missense c.2173G>A (p.Val725Met) variant in PACS1 gene has not been reported previously as a pathogenic variant nor as a benign variant, to our knowledge. The variant p.Val725Met has allele frequency 0% in gnomAD and is absent in 1000 Genomes. This variant has been reported to the ClinVar database as Uncertain Significance. The amino acid change p.Val725Met in PACS1 is predicted as conserved by GERP++ and PhyloP across 100 vertebrates. The amino acid Val at position 725 is changed to a Met changing protein sequence and it might alter its composition and physico-chemical properties. For these reasons, this variant has been classified as Variant of Uncertain Significance (VUS).